The following is an entry in ClinVar:

NM_000057.4(BLM):c.2086_2087del (p.Ser696fs)

Gene: BLM (BLM RecQ like helicase; plus strand). Cytogenetic location: 15q26.1.
Variant type: Microsatellite.
Coding change: c.2086_2087del on transcript NM_000057.4 (MANE Select); coding-DNA positions 2086 to 2087, 2 bases deleted (AG; older notation c.2086_2087delAG).
Protein change: p.Ser696fs; shifts the reading frame from serine 696.
Molecular consequence: frameshift variant.
Genome position (GRCh38, 1-based): chr15:90,765,307-90,765,308, AG deleted; deleting any 2 consecutive bases within chr15:90,765,305-90,765,308 gives the same sequence; the c. name uses the placement nearest the transcript's 3' end. VCF-style (leftmost placement, unchanged base first): chr15-90765304-AAG-A. GRCh37 (hg19) VCF-style: chr15-91308534-AAG-A.
Other names: c.2084_2085AG[1], p.Ser696Phefs (NM_000057.2); c.2086_2087del, p.Ser696fs (NM_001287246.2, NM_001287247.2); c.961_962del, p.Ser321fs (NM_001287248.2); c.2086_2087delAG (NM_000057.2); short protein forms S321fs, S696fs.
Identifiers: ClinVar variation 1785639 (VCV001785639.5), dbSNP rs2505441027, ClinGen allele CA2575835911.

ClinVar aggregate classification (germline): Pathogenic/Likely pathogenic. Review status: criteria provided, multiple submitters, no conflicts (2 of 4 stars). 3 submissions from 3 submitters: Pathogenic (2); Likely pathogenic (1). Last evaluated 2025-06-09.

Conditions:
Hereditary cancer-predisposing syndrome. Also called: Neoplastic Syndromes, Hereditary; Tumor predisposition; Hereditary Cancer Syndrome; Hereditary neoplastic syndrome. Identifiers: Orphanet 140162, MedGen C0027672, MeSH D009386, MONDO:0015356.
Bloom syndrome (BLM). Also called: Bloom-Torre-Machacek syndrome. Identifiers: Orphanet 125, MedGen C0005859, MONDO:0008876, OMIM 210900.

Submissions (3):

Labcorp Genetics (formerly Invitae), Labcorp
Classification: Pathogenic for Bloom syndrome. Last evaluated: 2025-06-09. Review status: criteria provided, single submitter. Criteria: Invitae Variant Classification Sherloc (09022015). Collection method: clinical testing. Allele origin: germline.
Comment: This sequence change creates a premature translational stop signal (p.Ser696Phefs*44) in the BLM gene. It is expected to result in an absent or disrupted protein product. Loss-of-function variants in BLM are known to be pathogenic (PMID: 17407155). This variant is not present in population databases (gnomAD no frequency). This variant has not been reported in the literature in individuals affected with BLM-related conditions. For these reasons, this variant has been classified as Pathogenic.

Baylor Genetics
Classification: Likely pathogenic for Bloom syndrome. Last evaluated: 2024-03-04. Review status: criteria provided, single submitter. Criteria: ACMG Guidelines, 2015. Collection method: clinical testing. Allele origin: unknown.

Ambry Genetics
Classification: Pathogenic for Hereditary cancer-predisposing syndrome. Last evaluated: 2021-09-16. Review status: criteria provided, single submitter. Criteria: Ambry Variant Classification Scheme 2023. Collection method: clinical testing. Allele origin: germline.
Comment: The c.2086_2087delAG pathogenic mutation, located in coding exon 8 of the BLM gene, results from a deletion of two nucleotides at nucleotide positions 2086 to 2087, causing a translational frameshift with a predicted alternate stop codon (p.S696Ffs*44). This alteration was identified in 0/2000 Australian breast or ovarian cancer patients and 1/1997 controls undergoing multigene panel testing for hereditary cancer risk (Thompson ER et al. J Clin Oncol, 2016 May;34:1455-9). This variant is considered to be rare based on population cohorts in the Genome Aggregation Database (gnomAD). Of note, this alteration is also designated as c.2084_2085del in published literature. In addition to the clinical data presented in the literature, this alteration is expected to result in loss of function by premature protein truncation or nonsense-mediated mRNA decay. As such, this alteration is interpreted as a disease-causing mutation.

Literature cited by the submitters: PubMed 17407155 (cited by Labcorp Genetics (formerly Invitae), Labcorp); PubMed 26786923 (cited by Ambry Genetics).